The following is an entry in ClinVar:

ClinVar aggregate classification (germline): Benign. Review status: criteria provided, multiple submitters, no conflicts (2 of 4 stars). 3 submissions from 3 submitters: Benign (2). 1 of the submissions does not count toward it. Last evaluated 2026-02-03.

Conditions:
PRDM8-related disorder. Also called: PRDM8-related condition.
Early-onset Lafora body disease. Also called: Epilepsy, progressive myoclonic, 10. Identifiers: Orphanet 324290, MedGen C4225258, MONDO:0014717, OMIM 616640.

Allele frequency attached by ClinVar (database versions not stated): gnomAD exomes 0.00169 and 0.00375; ExAC 0.00688; ESP Exome Variant Server 0.01252; gnomAD 0.01799 and 0.01930; TOPMed 0.01993; 1000 Genomes Project 0.02097; 1000 Genomes Project 30x 0.02139.
gnomAD v4.1: 5,235 of 1,554,360 alleles (0.34%); highest among the groups gnomAD compares: African/African-American, 6.3%; 158 homozygotes.

Submissions (3):

Labcorp Genetics (formerly Invitae), Labcorp
Classification: Benign for Early-onset Lafora body disease. Last evaluated: 2026-02-03. Review status: criteria provided, single submitter. Criteria: Invitae Variant Classification Sherloc (09022015). Collection method: clinical testing. Allele origin: germline.

Breakthrough Genomics
Classification: Benign. Review status: criteria provided, single submitter. Criteria: ACMG Guidelines, 2015. Collection method: not provided. Allele origin: germline. Inheritance: Autosomal recessive inheritance. Affected: yes.

PreventionGenetics, part of Exact Sciences
Classification: Benign for PRDM8-related condition. Last evaluated: 2019-08-12. Review status: no assertion criteria provided. Collection method: clinical testing. Allele origin: germline. Not counted in ClinVar's aggregate classification.
Comment: This variant is classified as benign based on ACMG/AMP sequence variant interpretation guidelines (Richards et al. 2015 PMID: 25741868, with internal and published modifications).

NM_001099403.2(PRDM8):c.1683C>T (p.Ser561=)

Gene: PRDM8 (PR/SET domain 8; plus strand). Cytogenetic location: 4q21.21.
Variant type: single nucleotide variant.
Coding change: c.1683C>T on transcript NM_001099403.2 (MANE Select); coding-DNA position 1683, C replaced by T.
Protein change: p.Ser561=; no amino-acid change (serine 561 retained).
Molecular consequence: synonymous variant.
Genome position (GRCh38, 1-based): chr4:80,203,145, C>T. VCF-style: chr4-80203145-C-T. GRCh37 (hg19) VCF-style: chr4-81124299-C-T.
Other names: c.1683C>T, p.Ser561= (NM_020226.4).
Identifiers: ClinVar variation 475672 (VCV000475672.15), dbSNP rs150632206, ClinGen allele CA2982429.